The following is an entry in ClinVar:

NM_000297.4(PKD2):c.441G>A (p.Ala147=)

Genes: PKD2 (polycystin 2, transient receptor potential cation channel; plus strand), LOC129992813 (ATAC-STARR-seq lymphoblastoid silent region 15559; plus strand). Cytogenetic location: 4q22.1.
Variant type: single nucleotide variant.
Coding change: c.441G>A on transcript NM_000297.4 (MANE Select); coding-DNA position 441, G replaced by A.
Protein change: p.Ala147=; no amino-acid change (alanine 147 retained).
Molecular consequence: synonymous variant. On other transcripts: non-coding transcript variant (1).
Genome position (GRCh38, 1-based): chr4:88,008,174, G>A. VCF-style: chr4-88008174-G-A. GRCh37 (hg19) VCF-style: chr4-88929326-G-A.
Other names: p.Ala147=.
Identifiers: ClinVar variation 695221 (VCV000695221.19), dbSNP rs866815144, ClinGen allele CA100873246.
Genomic context (GRCh38, chr4:88,008,174, plus strand): 5'-CTCCTCGGCCGTGAGCTCCGTGGGCGCGCGGAGCCGGGGGCTTGGGGGCTACCACGGCGC[G>A]GGCCACCCGAGCGGGAGGCGGCGCCGGCGAGAGGACCAGGGCCCGCCGTGCCCCAGCCCA-3'
Protein context (NP_000288.1, residues 137-157): RSRGLGGYHG[Ala147=]GHPSGRRRRR

ClinVar aggregate classification (germline): Conflicting classifications of pathogenicity. Review status: criteria provided, conflicting classifications (1 of 4 stars). 6 submissions from 6 submitters: Uncertain significance (1); Benign (2); Likely benign (2). 1 of the submissions does not count toward it. Last evaluated 2026-06-25.

Conditions:
PKD2-related disorder. Also called: PKD2-related condition.
Autosomal dominant polycystic kidney disease. Identifiers: Orphanet 730, MedGen C0085413, MONDO:0004691.
Polycystic kidney disease 2 (PKD2). Also called: POLYCYSTIC KIDNEY DISEASE 2 WITH OR WITHOUT POLYCYSTIC LIVER DISEASE; POLYCYSTIC KIDNEY DISEASE, ADULT, TYPE II; Polycystic Kidney Disease 2, Autosomal Dominant. Identifiers: MedGen C2751306, MONDO:0013131, OMIM 613095.

Allele frequency attached by ClinVar (database versions not stated): gnomAD exomes 0.00012 and 0.00030; 1000 Genomes Project 30x 0.00047; gnomAD 0.00097 and 0.00109; TOPMed 0.00127.
gnomAD v4.1: 316 of 1,396,008 alleles (0.023%); highest among the groups gnomAD compares: African/African-American, 0.33%; 2 homozygotes.

Submissions (6):

Women's Health and Genetics/Laboratory Corporation of America, LabCorp
Classification: Benign. Last evaluated: 2026-06-25. Review status: criteria provided, single submitter. Criteria: LabCorp Variant Classification Summary - May 2015. Collection method: clinical testing. Allele origin: germline.

Labcorp Genetics (formerly Invitae), Labcorp
Classification: Benign for Autosomal dominant polycystic kidney disease. Last evaluated: 2025-12-24. Review status: criteria provided, single submitter. Criteria: Invitae Variant Classification Sherloc (09022015). Collection method: clinical testing. Allele origin: germline.

Mayo Clinic Laboratories, Mayo Clinic
Classification: Likely benign. Last evaluated: 2025-09-11. Review status: criteria provided, single submitter. Criteria: ACMG Guidelines, 2015. Collection method: clinical testing. Allele origin: germline. Observed: 1 variant allele.
Comment: BS1, BP4, BP7

Blueprint Genetics
Classification: Likely benign. Last evaluated: 2024-11-26. Review status: criteria provided, single submitter. Criteria: ACMG Guidelines, 2015. Collection method: clinical testing. Allele origin: germline.

Illumina Laboratory Services, Illumina
Classification: Uncertain significance for Polycystic kidney disease 2. Last evaluated: 2018-01-12. Review status: criteria provided, single submitter. Criteria: ICSL Variant Classification Criteria 13 December 2019. Collection method: clinical testing. Allele origin: germline.

PreventionGenetics, part of Exact Sciences
Classification: Likely benign for PKD2-related condition. Last evaluated: 2022-06-01. Review status: no assertion criteria provided. Collection method: clinical testing. Allele origin: germline. Not counted in ClinVar's aggregate classification.
Comment: This variant is classified as likely benign based on ACMG/AMP sequence variant interpretation guidelines (Richards et al. 2015 PMID: 25741868, with internal and published modifications).